The following is an entry in ClinVar:

ClinVar aggregate classification (germline): Uncertain significance (1 of 4 stars; one submission).

Conditions:
Curry-Hall syndrome (WAD). Also called: WEYERS ACRODENTAL DYSOSTOSIS. Identifiers: Orphanet 952, MedGen C0457013, MONDO:0008673, OMIM 193530.
Ellis-van Creveld syndrome (EVC). Also called: EVC-Related Ellis-van Creveld Syndrome; EVC2-Related Ellis-van Creveld Syndrome; MESOECTODERMAL DYSPLASIA; Chondroectodermal dysplasia. Identifiers: Orphanet 289, MedGen C0013903, MONDO:0009162, OMIM 225500.

Submission:

Labcorp Genetics (formerly Invitae), Labcorp
Classification: Uncertain significance for Curry-Hall syndrome; Ellis-van Creveld syndrome. Last evaluated: 2025-03-17. Review status: criteria provided, single submitter. Criteria: Invitae Variant Classification Sherloc (09022015). Collection method: clinical testing. Allele origin: germline.
Comment: This sequence change replaces histidine, which is basic and polar, with glutamine, which is neutral and polar, at codon 509 of the EVC2 protein (p.His509Gln). This variant is present in population databases (rs754507157, gnomAD 0.0009%). This variant has not been reported in the literature in individuals affected with EVC2-related conditions. An algorithm developed to predict the effect of missense changes on protein structure and function outputs the following: PolyPhen-2: "Benign". The glutamine amino acid residue is found in multiple mammalian species, which suggests that this missense change does not adversely affect protein function. In summary, the available evidence is currently insufficient to determine the role of this variant in disease. Therefore, it has been classified as a Variant of Uncertain Significance.

NM_147127.5(EVC2):c.1527C>G (p.His509Gln)

Gene: EVC2 (EvC ciliary complex subunit 2; minus strand). Cytogenetic location: 4p16.2.
Variant type: single nucleotide variant.
Coding change: c.1527C>G on transcript NM_147127.5 (MANE Select); coding-DNA position 1527, C replaced by G.
Protein change: p.His509Gln; replaces histidine 509 with glutamine.
Molecular consequence: missense variant.
Genome position (GRCh38, 1-based): chr4:5,631,976, G>C on the plus strand (C>G on the coding strand, the complement: EVC2 is on the minus strand). VCF-style: chr4-5631976-G-C. GRCh37 (hg19) VCF-style: chr4-5633703-G-C.
Other names: c.1287C>G, p.His429Gln (NM_001166136.2); short protein forms H429Q, H509Q.
Identifiers: ClinVar variation 4782932 (VCV004782932.1).